The following is an entry in ClinVar:

NM_032634.4(PIGO):c.3107G>A (p.Arg1036Lys)

Gene: PIGO (phosphatidylinositol glycan anchor biosynthesis class O; minus strand). Cytogenetic location: 9p13.3.
Variant type: single nucleotide variant.
Coding change: c.3107G>A on transcript NM_032634.4 (MANE Select); coding-DNA position 3107, G replaced by A.
Protein change: p.Arg1036Lys; replaces arginine 1036 with lysine.
Molecular consequence: missense variant.
Genome position (GRCh38, 1-based): chr9:35,089,413, C>T on the plus strand (G>A on the coding strand, the complement: PIGO is on the minus strand). VCF-style: chr9-35089413-C-T. GRCh37 (hg19) VCF-style: chr9-35089410-C-T.
Other names: c.1856G>A, p.Arg619Lys (NM_001201484.2, NM_152850.4); short protein forms R619K, R1036K.
Identifiers: ClinVar variation 658322 (VCV000658322.6), dbSNP rs764658486, ClinGen allele CA5040244.

ClinVar aggregate classification (germline): Uncertain significance. Review status: criteria provided, multiple submitters, no conflicts (2 of 4 stars). 2 submissions from 2 submitters: Uncertain significance (2). Last evaluated 2023-10-03.

Conditions:
Hyperphosphatasia with impaired intellectual development syndrome 2. Also called: Hyperphosphatasia with intellectual disability syndrome 2; GLYCOSYLPHOSPHATIDYLINOSITOL BIOSYNTHESIS DEFECT 6. Identifiers: Orphanet 247262, MedGen C3553637, MONDO:0013882, OMIM 614749.

Allele frequency attached by ClinVar (database versions not stated): gnomAD exomes 0.00005 and 0.00014; ExAC 0.00016; gnomAD below 0.00001 and 0.00007; TOPMed below 0.00001.
gnomAD v4.1: 92 of 1,614,058 alleles (0.0057%); highest among the groups gnomAD compares: South Asian, 0.091%; 1 homozygote.

Submissions (2):

Labcorp Genetics (formerly Invitae), Labcorp
Classification: Uncertain significance for Hyperphosphatasia with impaired intellectual development syndrome 2. Last evaluated: 2023-10-03. Review status: criteria provided, single submitter. Criteria: Invitae Variant Classification Sherloc (09022015). Collection method: clinical testing. Allele origin: germline.
Comment: This sequence change replaces arginine, which is basic and polar, with lysine, which is basic and polar, at codon 1036 of the PIGO protein (p.Arg1036Lys). This variant is present in population databases (rs764658486, gnomAD 0.1%). This variant has not been reported in the literature in individuals affected with PIGO-related conditions. ClinVar contains an entry for this variant (Variation ID: 658322). Advanced modeling of protein sequence and biophysical properties (such as structural, functional, and spatial information, amino acid conservation, physicochemical variation, residue mobility, and thermodynamic stability) performed at Invitae indicates that this missense variant is expected to disrupt PIGO protein function. In summary, the available evidence is currently insufficient to determine the role of this variant in disease. Therefore, it has been classified as a Variant of Uncertain Significance.

Fulgent Genetics
Classification: Uncertain significance for Hyperphosphatasia with impaired intellectual development syndrome 2. Last evaluated: 2021-11-16. Review status: criteria provided, single submitter. Criteria: ACMG Guidelines, 2015. Collection method: clinical testing. Allele origin: unknown.